The following is an entry in ClinVar:

ClinVar aggregate classification (germline): Uncertain significance (1 of 4 stars; one submission).

Conditions:
PCNT-related disorder. Also called: PCNT-related condition.

Submission:

PreventionGenetics, part of Exact Sciences
Classification: Uncertain significance for PCNT-related condition. Last evaluated: 2025-01-31. Review status: criteria provided, single submitter. Criteria: ACMG Guidelines, 2015. Collection method: clinical testing. Allele origin: germline.
Comment: The PCNT c.4577A>C variant is predicted to result in the amino acid substitution p.Asp1526Ala. To our knowledge, this variant has not been reported in the literature or in a large population database (gnomAD), indicating this variant is rare. At this time, the clinical significance of this variant is uncertain due to the absence of conclusive functional and genetic evidence.

NM_006031.6(PCNT):c.4577A>C (p.Asp1526Ala)

Gene: PCNT (pericentrin; plus strand). Cytogenetic location: 21q22.3.
Variant type: single nucleotide variant.
Coding change: c.4577A>C on transcript NM_006031.6 (MANE Select); coding-DNA position 4577, A replaced by C.
Protein change: p.Asp1526Ala; replaces aspartic acid 1526 with alanine.
Molecular consequence: missense variant.
Genome position (GRCh38, 1-based): chr21:46,398,248, A>C. VCF-style: chr21-46398248-A-C. GRCh37 (hg19) VCF-style: chr21-47818162-A-C.
Other names: c.4223A>C, p.Asp1408Ala (NM_001315529.2); short protein forms D1408A, D1526A.
Identifiers: ClinVar variation 4998990 (VCV004998990.1).
Genomic context (GRCh38, chr21:46,398,248, plus strand): 5'-TTTAACTTTCTTTAAATTTTTGCCTTCCATGTACATGAAATCGGCAGCAGGCGCCGCTGG[A>C]TGGAGAGGTGAGGAGGCGTCAACGAGATGGGCACTCCCTGCGCTGGCGCCCAGGCTCCCC-3'
Protein context (NP_006022.3, residues 1516-1536): GPRDSQQAPL[Asp1526Ala]GEVELLQQKL